The following is an entry in ClinVar:

ClinVar aggregate classification (germline): Likely pathogenic (0 of 4 stars; one submission).

Conditions:
Alzheimer disease 3 (AD3). Also called: ALZHEIMER DISEASE, FAMILIAL, 3. Identifiers: Orphanet 1020, MedGen C1843013, MONDO:0011913, OMIM 607822.

Submission:

Medical Genetics Unit, Mauro Baschirotto Institute for Rare Disease
Classification: Likely pathogenic for Alzheimer disease 3. Last evaluated: 2026-04-20. Review status: no assertion criteria provided. Collection method: clinical testing. Allele origin: germline. Affected: yes. Observed: 1 variant allele.
Comment: This variant was interpreted by the AD-FTD Italian Consortium, including the following participating institutions: Mauro Baschirotto Institute for Rare Disease, Medical Genetics Unit (Dr Paola de Gemmis, Dr Daniela Segat, Dr Chiara Stefani); Neurology Unit, Department of Biomedicine, Neurosciences and Advanced Diagnostics, University of Palermo, Italy (Dr Tommaso Piccoli); Neurology Unit, Santa Maria della Misericordia Hospital, Perugia, Italy (Dr Lorenzo Gaetani). The participating laboratories jointly contributed to patient recruitment, clinical data collection, and variant interpretation and classification. The variant c.217C>G results in the amino acid substitution of leucine to valine at codon 73 of the PSEN1 protein. This is a conservative missense change between two hydrophobic amino acids. It is located in exon 4 of the gene, with no available frequency in gnomAD population database. This variant is non-truncating and non-synonymous and is located in exon 4 mutational hot spot. These observations support a pathogenic role (17 pathogenic or likely pathogenic reported variants were found in a 178bp region surrounding this variant in exon 4 within the region 73170869-73171047 without any missense benign variants). Moreover, PSEN1 is a gene with a low rate of benign missense mutations and for which missense mutation is a common mechanism of disease. Computational prediction tools unanimously support a deleterious effect on the gene. SIFT prediction (variant deleterious, score 0), FATHMM prediction (deleterious moderate, score -6.08), Mutation Taster prediction (deleterious, score 1), CADD score 23.9 and REVEL score 0.783. Codon 73 is located in the N-terminal region of PSEN1 that plays a crucial role in substrates catalysis of the γ-secretase complex. Taken together all of these data suggest a likely pathogenic classification for this variant.

NM_000021.4(PSEN1):c.217C>G (p.Leu73Val)

Gene: PSEN1 (presenilin 1; plus strand). Cytogenetic location: 14q24.2.
Variant type: single nucleotide variant.
Coding change: c.217C>G on transcript NM_000021.4 (MANE Select); coding-DNA position 217, C replaced by G.
Protein change: p.Leu73Val; replaces leucine 73 with valine.
Molecular consequence: missense variant.
Genome position (GRCh38, 1-based): chr14:73,170,926, C>G. VCF-style: chr14-73170926-C-G. GRCh37 (hg19) VCF-style: chr14-73637634-C-G.
Other names: c.205C>G, p.Leu69Val (NM_007318.3); short protein forms L69V, L73V.
Identifiers: ClinVar variation 4849944 (VCV004849944.1).